The following is an entry in ClinVar:

NM_001038603.3(MARVELD2):c.670_694del (p.Leu224fs)

Gene: MARVELD2 (MARVEL domain containing 2; plus strand). Cytogenetic location: 5q13.2.
Variant type: Deletion.
Coding change: c.670_694del on transcript NM_001038603.3 (MANE Select); coding-DNA positions 670 to 694, 25 bases deleted (TTGTTTGGATATTCACAACCGTATG).
Protein change: p.Leu224fs; shifts the reading frame from leucine 224.
Molecular consequence: frameshift variant.
Genome position (GRCh38, 1-based): chr5:69,420,055-69,420,079, TTGTTTGGATATTCACAACCGTATG deleted. VCF-style (leftmost placement, unchanged base first): chr5-69420054-CTTGTTTGGATATTCACAACCGTATG-C. GRCh37 (hg19) VCF-style: chr5-68715881-CTTGTTTGGATATTCACAACCGTATG-C.
Other names: c.670_694del, p.Leu224fs (NM_001244734.2); short protein forms L224fs.
Identifiers: ClinVar variation 3601234 (VCV003601234.3).

ClinVar aggregate classification (germline): Pathogenic/Likely pathogenic. Review status: criteria provided, multiple submitters, no conflicts (2 of 4 stars). 2 submissions from 2 submitters: Pathogenic (1); Likely pathogenic (1). Last evaluated 2025-01-09.

Conditions:
Autosomal recessive nonsyndromic hearing loss 49. Also called: Deafness, neurosensory, autosomal recessive 49. Identifiers: Orphanet 90636, MedGen C1857811, MONDO:0012420, OMIM 610153.

Submissions (2):

Institute of Rare Diseases, West China Hospital, Sichuan University
Classification: Pathogenic for Autosomal recessive nonsyndromic hearing loss 49. Last evaluated: 2025-01-09. Review status: criteria provided, single submitter. Criteria: ClinGen HL ACMG Specifications v1. Collection method: research. Allele origin: germline. Affected: yes.
Comment: PVS1;PM3;PM2_Supporting

Juno Genomics, Hangzhou Juno Genomics, Inc
Classification: Likely pathogenic for Autosomal recessive nonsyndromic hearing loss 49. Review status: criteria provided, single submitter. Criteria: ACMG Guidelines, 2015. Collection method: clinical testing. Allele origin: germline.
Comment: Null variant in a gene where loss of function (LOF) is a known mechanism of disease.;Absent from controls (or at extremely low frequency if recessive) in Genome Aggregation Database.